The following is an entry in ClinVar:

ClinVar aggregate classification (germline): Uncertain significance (1 of 4 stars; one submission).

Submission:

Labcorp Genetics (formerly Invitae), Labcorp
Classification: Uncertain significance. Last evaluated: 2024-07-23. Review status: criteria provided, single submitter. Criteria: Invitae Variant Classification Sherloc (09022015). Collection method: clinical testing. Allele origin: germline.
Comment: This sequence change replaces asparagine, which is neutral and polar, with threonine, which is neutral and polar, at codon 71 of the SMAD2 protein (p.Asn71Thr). This variant is not present in population databases (gnomAD no frequency). This variant has not been reported in the literature in individuals affected with SMAD2-related conditions. Advanced modeling of protein sequence and biophysical properties (such as structural, functional, and spatial information, amino acid conservation, physicochemical variation, residue mobility, and thermodynamic stability) performed at Invitae indicates that this missense variant is not expected to disrupt SMAD2 protein function with a negative predictive value of 80%. In summary, the available evidence is currently insufficient to determine the role of this variant in disease. Therefore, it has been classified as a Variant of Uncertain Significance.

NM_005901.6(SMAD2):c.212A>C (p.Asn71Thr)

Gene: SMAD2 (SMAD family member 2; minus strand). Cytogenetic location: 18q21.1.
Variant type: single nucleotide variant.
Coding change: c.212A>C on transcript NM_005901.6 (MANE Select); coding-DNA position 212, A replaced by C.
Protein change: p.Asn71Thr; replaces asparagine 71 with threonine.
Molecular consequence: missense variant.
Genome position (GRCh38, 1-based): chr18:47,896,545, T>G on the plus strand (A>C on the coding strand, the complement: SMAD2 is on the minus strand). VCF-style: chr18-47896545-T-G. GRCh37 (hg19) VCF-style: chr18-45422916-T-G.
Other names: c.212A>C, p.Asn71Thr (NM_001003652.4, NM_001135937.3); short protein forms N71T.
Identifiers: ClinVar variation 3683935 (VCV003683935.2).